The following is an entry in ClinVar:

ClinVar aggregate classification (germline): Uncertain significance (1 of 4 stars; one submission).

Conditions:
Catecholaminergic polymorphic ventricular tachycardia 1. Also called: VENTRICULAR TACHYCARDIA, CATECHOLAMINERGIC POLYMORPHIC, 1, WITH OR WITHOUT ATRIAL DYSFUNCTION AND/OR DILATED CARDIOMYOPATHY; VENTRICULAR TACHYCARDIA, STRESS-INDUCED POLYMORPHIC 1; RYR2-Related Catecholaminergic Polymorphic Ventricular Tachycardia. Identifiers: Orphanet 3286, MedGen C1631597, MONDO:0011484, OMIM 604772.

Submission:

Labcorp Genetics (formerly Invitae), Labcorp
Classification: Uncertain significance for Catecholaminergic polymorphic ventricular tachycardia 1. Last evaluated: 2022-07-03. Review status: criteria provided, single submitter. Criteria: Invitae Variant Classification Sherloc (09022015). Collection method: clinical testing. Allele origin: germline.
Comment: This variant is not present in population databases (gnomAD no frequency). In summary, the available evidence is currently insufficient to determine the role of this variant in disease. Therefore, it has been classified as a Variant of Uncertain Significance. Advanced modeling of protein sequence and biophysical properties (such as structural, functional, and spatial information, amino acid conservation, physicochemical variation, residue mobility, and thermodynamic stability) performed at Invitae indicates that this missense variant is expected to disrupt RYR2 protein function. ClinVar contains an entry for this variant (Variation ID: 1394330). This variant has not been reported in the literature in individuals affected with RYR2-related conditions. This sequence change replaces leucine, which is neutral and non-polar, with proline, which is neutral and non-polar, at codon 1658 of the RYR2 protein (p.Leu1658Pro).

NM_001035.3(RYR2):c.4973T>C (p.Leu1658Pro)

Gene: RYR2 (ryanodine receptor 2; plus strand). Cytogenetic location: 1q43.
Variant type: single nucleotide variant.
Coding change: c.4973T>C on transcript NM_001035.3 (MANE Select); coding-DNA position 4973, T replaced by C.
Protein change: p.Leu1658Pro; replaces leucine 1658 with proline.
Molecular consequence: missense variant.
Genome position (GRCh38, 1-based): chr1:237,614,101, T>C. VCF-style: chr1-237614101-T-C. GRCh37 (hg19) VCF-style: chr1-237777401-T-C.
Other names: short protein forms L1658P.
Identifiers: ClinVar variation 1394330 (VCV001394330.7), dbSNP rs2148593468, ClinGen allele CA345403734.